The following is an entry in ClinVar:

NM_000843.4(GRM6):c.2156G>A (p.Arg719Gln)

Genes: GRM6 (glutamate metabotropic receptor 6; minus strand), ZNF454 (zinc finger protein 454; plus strand). Cytogenetic location: 5q35.3.
Variant type: single nucleotide variant.
Coding change: c.2156G>A on transcript NM_000843.4 (MANE Select); coding-DNA position 2156, G replaced by A.
Protein change: p.Arg719Gln; replaces arginine 719 with glutamine.
Molecular consequence: missense variant.
Genome position (GRCh38, 1-based): chr5:178,983,190, C>T on the plus strand (G>A on the coding strand, the complement: GRM6 is on the minus strand). VCF-style: chr5-178983190-C-T. GRCh37 (hg19) VCF-style: chr5-178410191-C-T.
Other names: short protein forms R719Q.
Identifiers: ClinVar variation 497651 (VCV000497651.12), dbSNP rs757357397, ClinGen allele CA3593613.
Genomic context (GRCh38, chr5:178,983,190, plus strand): 5'-CTGGCCTGCTCGGGGTCCACCGTCCGCTGTTCCTCATAGTCAATCACGCTGTGTGGGGGC[C>T]GGGCCCCCAGCCATGCTATCATCCCCACCACCTGCAGGAGCCAACACTGCATCAGACACA-3'
Protein context (NP_000834.2, residues 709-729): VVGMIAWLGA[Arg719Gln]PPHSVIDYEE

ClinVar aggregate classification (germline): Uncertain significance. Review status: criteria provided, multiple submitters, no conflicts (2 of 4 stars). 3 submissions from 3 submitters: Uncertain significance (3). Last evaluated 2024-07-15.

Allele frequency attached by ClinVar (database versions not stated): gnomAD exomes 0.00002 and 0.00004; ExAC 0.00005; gnomAD 0.00005 and 0.00006; TOPMed 0.00005.
gnomAD v4.1: 41 of 1,612,864 alleles (0.0025%); highest among the groups gnomAD compares: African/African-American, 0.016%; no homozygotes.

Submissions (3):

Blueprint Genetics
Classification: Uncertain significance. Last evaluated: 2024-07-15. Review status: criteria provided, single submitter. Criteria: ACMG Guidelines, 2015. Collection method: clinical testing. Allele origin: germline.

Labcorp Genetics (formerly Invitae), Labcorp
Classification: Uncertain significance. Last evaluated: 2022-03-20. Review status: criteria provided, single submitter. Criteria: Invitae Variant Classification Sherloc (09022015). Collection method: clinical testing. Allele origin: germline.
Comment: This sequence change replaces arginine, which is basic and polar, with glutamine, which is neutral and polar, at codon 719 of the GRM6 protein (p.Arg719Gln). This variant is present in population databases (rs757357397, gnomAD 0.03%). This variant has not been reported in the literature in individuals affected with GRM6-related conditions. ClinVar contains an entry for this variant (Variation ID: 497651). Advanced modeling of protein sequence and biophysical properties (such as structural, functional, and spatial information, amino acid conservation, physicochemical variation, residue mobility, and thermodynamic stability) performed at Invitae indicates that this missense variant is not expected to disrupt GRM6 protein function. In summary, the available evidence is currently insufficient to determine the role of this variant in disease. Therefore, it has been classified as a Variant of Uncertain Significance.

Eurofins Ntd Llc (ga)
Classification: Uncertain significance. Last evaluated: 2016-11-11. Review status: criteria provided, single submitter. Criteria: EGL Classification Definitions 2015. Collection method: clinical testing. Allele origin: germline. Observed: 1 variant allele, 1 heterozygote.